The following is an entry in ClinVar:

NM_002878.4(RAD51D):c.263+9G>C

Genes: RAD51D (RAD51 paralog D; minus strand), RAD51L3-RFFL (RAD51L3-RFFL readthrough; minus strand). Cytogenetic location: 17q12.
Variant type: single nucleotide variant.
Coding change: c.263+9G>C on transcript NM_002878.4 (MANE Select); 9 bases into the intron after coding-DNA position 263, G replaced by C.
Molecular consequence: intron variant.
Genome position (GRCh38, 1-based): chr17:35,118,492, C>G on the plus strand (G>C on the coding strand, the complement: RAD51D is on the minus strand). VCF-style: chr17-35118492-C-G. GRCh37 (hg19) VCF-style: chr17-33445511-C-G.
Other names: c.144+619G>C (NM_133629.3, NM_001142571.2).
Identifiers: ClinVar variation 512418 (VCV000512418.12), dbSNP rs887322398, ClinGen allele CA290006089.

ClinVar aggregate classification (germline): Likely benign. Review status: criteria provided, multiple submitters, no conflicts (2 of 4 stars). 3 submissions from 3 submitters: Likely benign (3). Last evaluated 2025-02-20.

Conditions:
Breast-ovarian cancer, familial, susceptibility to, 4. Identifiers: Orphanet 145, MedGen C3280345, MONDO:0013669, OMIM 614291.

Allele frequency attached by ClinVar (database versions not stated): TOPMed below 0.00001.

Submissions (3):

Myriad Genetics, Inc.
Classification: Likely benign for Breast-ovarian cancer, familial, susceptibility to, 4. Last evaluated: 2025-02-20. Review status: criteria provided, single submitter. Criteria: Myriad Autosomal Dominant, Autosomal Recessive and X-Linked Classification Criteria (2023). Collection method: clinical testing. Allele origin: unknown.
Comment: This variant is considered likely benign. This variant is intronic and is not expected to impact mRNA splicing.

Labcorp Genetics (formerly Invitae), Labcorp
Classification: Likely benign for Breast-ovarian cancer, familial, susceptibility to, 4. Last evaluated: 2022-09-01. Review status: criteria provided, single submitter. Criteria: Invitae Variant Classification Sherloc (09022015). Collection method: clinical testing. Allele origin: germline.

GeneDx
Classification: Likely benign. Last evaluated: 2017-09-26. Review status: criteria provided, single submitter. Criteria: GeneDx Variant Classification (06012015). Collection method: clinical testing. Allele origin: germline. Affected: yes.
Comment: This variant is considered likely benign or benign based on one or more of the following criteria: it is a conservative change, it occurs at a poorly conserved position in the protein, it is predicted to be benign by multiple in silico algorithms, and/or has population frequency not consistent with disease.